The following is an entry in ClinVar:

ClinVar aggregate classification (germline): Pathogenic/Likely pathogenic. Review status: criteria provided, multiple submitters, no conflicts (2 of 4 stars). 2 submissions from 2 submitters: Pathogenic (1); Likely pathogenic (1). Last evaluated 2026-07-06.

Conditions:
IFT172-related disorder. Also called: IFT172-related condition; IFT172-related disorders.
Short-rib thoracic dysplasia 10 with or without polydactyly (SRTD10). Identifiers: Orphanet 474, MedGen C3810175, MONDO:0014284, OMIM 615630.
Retinitis pigmentosa 71 (RP71). Identifiers: Orphanet 791, MedGen C4225342, MONDO:0014618, OMIM 616394.

Submissions (2):

PreventionGenetics, part of Exact Sciences
Classification: Likely pathogenic for IFT172-related condition. Last evaluated: 2026-07-06. Review status: criteria provided, single submitter. Criteria: ACMG Guidelines, 2015. Collection method: clinical testing. Allele origin: germline.
Comment: The IFT172 c.3426delC variant is predicted to result in a frameshift and premature protein termination (p.Glu1143Argfs*174). This variant was reported in the heterozygous state in an individual with retinitis pigmentosa, a second variant was not reported (Supplementary Table 1, Schlottmann et al. 2023. PubMed ID: 37217489). This variant has not been reported in a large population database (gnomAD), indicating this variant is rare. Frameshift variants in IFT172 are expected to be pathogenic. This variant is interpreted as likely pathogenic.

Labcorp Genetics (formerly Invitae), Labcorp
Classification: Pathogenic for Retinitis pigmentosa 71; Short-rib thoracic dysplasia 10 with or without polydactyly. Last evaluated: 2022-07-31. Review status: criteria provided, single submitter. Criteria: Invitae Variant Classification Sherloc (09022015). Collection method: clinical testing. Allele origin: germline.
Comment: For these reasons, this variant has been classified as Pathogenic. This variant has not been reported in the literature in individuals affected with IFT172-related conditions. This variant is not present in population databases (gnomAD no frequency). This sequence change creates a premature translational stop signal (p.Glu1143Argfs*174) in the IFT172 gene. It is expected to result in an absent or disrupted protein product. Loss-of-function variants in IFT172 are known to be pathogenic (PMID: 24140113).

Literature cited by the submitters: PubMed 24140113 (cited by Labcorp Genetics (formerly Invitae), Labcorp).

NM_015662.3(IFT172):c.3426del (p.Glu1143fs)

Gene: IFT172 (intraflagellar transport 172; minus strand). Cytogenetic location: 2p23.3.
Variant type: Deletion.
Coding change: c.3426del on transcript NM_015662.3 (MANE Select); coding-DNA position 3426, one base deleted (C; older notation c.3426delC).
Protein change: p.Glu1143fs; shifts the reading frame from glutamic acid 1143.
Molecular consequence: frameshift variant.
Genome position (GRCh38, 1-based): chr2:27,454,606, G deleted on the plus strand (C on the coding strand, the reverse complement: IFT172 is on the minus strand); the first of 5 consecutive G bases (chr2:27,454,606-27,454,610); deleting any one gives the same sequence. VCF-style (leftmost placement, unchanged base first): chr2-27454605-CG-C. GRCh37 (hg19) VCF-style: chr2-27677472-CG-C.
Other names: c.3356delC, p.Glu1121Argfs (NM_001410739.1); c.3426delC (NM_015662.2); short protein forms E1143fs.
Identifiers: ClinVar variation 2127229 (VCV002127229.5), dbSNP rs1572740187, ClinGen allele CA2580066268.